The following is an entry in ClinVar:

ClinVar aggregate classification (germline): Benign (3 of 4 stars; one submission).

Conditions:
Breast-ovarian cancer, familial, susceptibility to, 1 (BROVCA1). Also called: OVARIAN CANCER, SUSCEPTIBILITY TO; BRCA1 Hereditary Breast and Ovarian Cancer. Identifiers: Orphanet 145, MedGen C2676676, MONDO:0011450, OMIM 604370. Disease mechanism: loss of function.

Allele frequency attached by ClinVar (database versions not stated): 1000 Genomes Project 0.35363; 1000 Genomes Project 30x 0.35447; TOPMed 0.30279; gnomAD 0.33048 and 0.32363.
gnomAD v4.1: 47,961 of 145,184 alleles (33%); highest among the groups gnomAD compares: South Asian, 49%; 7,923 homozygotes.

Submission:

Evidence-based Network for the Interpretation of Germline Mutant Alleles (ENIGMA)
Classification: Benign for Breast-ovarian cancer, familial 1. Last evaluated: 2015-01-12. Review status: reviewed by expert panel. Criteria: ENIGMA BRCA1/2 Classification Criteria (2015). Collection method: curation. Allele origin: germline.
Comment: Class 1 not pathogenic based on frequency >1% in an outbred sampleset. Frequency 0.33 (Asian), 0.22 (African), 0.36 (European), derived from 1000 genomes (2012-04-30).

NM_007294.3(BRCA1):c.-2614T>C

Genes: BRCA1 (BRCA1 DNA repair associated; minus strand), NBR2 (neighbor of BRCA1 lncRNA 2; plus strand). Cytogenetic location: 17q21.31.
Variant type: single nucleotide variant.
Coding change: c.-2614T>C on transcript NM_007294.3; 2614 bases upstream of the start codon, T replaced by C.
Molecular consequence: intron variant (on NM_001408458.1).
Genome position (GRCh38, 1-based): chr17:43,127,865, A>G on the plus strand (T>C on the coding strand, the complement: BRCA1 is on the minus strand). VCF-style: chr17-43127865-A-G. GRCh37 (hg19) VCF-style: chr17-41279882-A-G.
Other names: -2495 T>C; c.-61-12086T>C (NM_001408458.1).
Identifiers: ClinVar variation 209595 (VCV000209595.3), dbSNP rs12947782, ClinGen allele CA276564.